The following is an entry in ClinVar:

NM_000784.4(CYP27A1):c.376G>C (p.Val126Leu)

Gene: CYP27A1 (cytochrome P450 family 27 subfamily A member 1; plus strand). Cytogenetic location: 2q35.
Variant type: single nucleotide variant.
Coding change: c.376G>C on transcript NM_000784.4 (MANE Select); coding-DNA position 376, G replaced by C.
Protein change: p.Val126Leu; replaces valine 126 with leucine.
Molecular consequence: missense variant.
Genome position (GRCh38, 1-based): chr2:218,809,697, G>C. VCF-style: chr2-218809697-G-C. GRCh37 (hg19) VCF-style: chr2-219674420-G-C.
Other names: c.376G>C (NM_000784.3); short protein forms V126L.
Identifiers: ClinVar variation 1376002 (VCV001376002.6), dbSNP rs773892447, ClinGen allele CA2112578.
Genomic context (GRCh38, chr2:218,809,697, plus strand): 5'-GTGAACCTGGCCAGTGCCCCGCTCTTGGAGCAAGTGATGCGGCAAGAGGGCAAGTACCCA[G>C]TACGGAACGACATGGAGCTATGGAAGGAGCACCGGGACCAGCACGACCTGACCTATGGGC-3'
Protein context (NP_000775.1, residues 116-136): QVMRQEGKYP[Val126Leu]RNDMELWKEH

ClinVar aggregate classification (germline): Uncertain significance. Review status: criteria provided, multiple submitters, no conflicts (2 of 4 stars). 2 submissions from 2 submitters: Uncertain significance (2). Last evaluated 2024-02-25.

Conditions:
Cardiovascular phenotype. Identifiers: MedGen CN230736.
Cholestanol storage disease (CTX). Also called: CEREBRAL CHOLESTERINOSIS; Cerebrotendinous Xanthomatosis; CTX: Cerebrotendinous xanthomatosis. Identifiers: Orphanet 909, MedGen C0238052, MONDO:0008948, OMIM 213700.

Allele frequency attached by ClinVar (database versions not stated): ExAC 0.00002; gnomAD exomes 0.00002; gnomAD 0.00003; TOPMed 0.00003.
gnomAD v4.1: 76 of 1,614,068 alleles (0.0047%); highest among the groups gnomAD compares: Non-Finnish European, 0.0062%; no homozygotes.

Submissions (2):

Ambry Genetics
Classification: Uncertain significance for Cardiovascular phenotype. Last evaluated: 2024-02-25. Review status: criteria provided, single submitter. Criteria: Ambry Variant Classification Scheme 2023. Collection method: clinical testing. Allele origin: germline.
Comment: The p.V126L variant (also known as c.376G>C), located in coding exon 2 of the CYP27A1 gene, results from a G to C substitution at nucleotide position 376. The valine at codon 126 is replaced by leucine, an amino acid with highly similar properties. This amino acid position is conserved. In addition, this alteration is predicted to be tolerated by in silico analysis. Based on the available evidence, the clinical significance of this alteration remains unclear.

Labcorp Genetics (formerly Invitae), Labcorp
Classification: Uncertain significance for Cholestanol storage disease. Last evaluated: 2021-09-24. Review status: criteria provided, single submitter. Criteria: Invitae Variant Classification Sherloc (09022015). Collection method: clinical testing. Allele origin: germline.
Comment: This sequence change replaces valine with leucine at codon 126 of the CYP27A1 protein (p.Val126Leu). The valine residue is weakly conserved and there is a small physicochemical difference between valine and leucine. This variant is present in population databases (rs773892447, ExAC 0.003%). This variant has not been reported in the literature in individuals with CYP27A1-related conditions. Advanced modeling of protein sequence and biophysical properties (such as structural, functional, and spatial information, amino acid conservation, physicochemical variation, residue mobility, and thermodynamic stability) performed at Invitae indicates that this missense variant is not expected to disrupt CYP27A1 protein function. In summary, the available evidence is currently insufficient to determine the role of this variant in disease. Therefore, it has been classified as a Variant of Uncertain Significance.